The following is an entry in ClinVar:

ClinVar aggregate classification (germline): Conflicting classifications of pathogenicity. Review status: criteria provided, conflicting classifications (1 of 4 stars). 5 submissions from 5 submitters: Pathogenic (1); Uncertain significance (4). Last evaluated 2026-04-22.

Conditions:
ABCA4-related retinopathy. Also called: ABCA4 retinoapthy; ABCA4-related retinoapthy. Identifiers: MedGen CN322612, MONDO:0800406.
ABCA4-related disorder. Also called: ABCA4-related disorders; ABCA4-related condition. Identifiers: MedGen CN239167.

Allele frequency attached by ClinVar (database versions not stated): TOPMed 0.00003.
gnomAD v4.1: 11 of 1,613,986 alleles (0.00068%); highest among the groups gnomAD compares: East Asian, 0.0045%; no homozygotes.

Submissions (5):

PreventionGenetics, part of Exact Sciences
Classification: Uncertain significance for ABCA4-related condition. Last evaluated: 2026-04-22. Review status: criteria provided, single submitter. Criteria: ACMG Guidelines, 2015. Collection method: clinical testing. Allele origin: germline.
Comment: The ABCA4 c.6788G>A variant is predicted to result in the amino acid substitution p.Arg2263Gln. This variant has been reported along with a second ABCA4 missense variant in an individual with Stargardt disease (Qu et al. 2021. PubMed ID: 33988224). Alternate substitutions of this amino acid residue (p.Arg2263Leu and p.Arg2263Pro) have also been reported in individuals with retinal disease (Webster et al. 2001. PubMed ID: 11328725; Table S10, Khan et al. 2020. PubMed ID: 32307445). This variant is present in 0.0062% of alleles in individuals of African descent in gnomAD. At this time, the clinical significance of this variant is uncertain due to the absence of conclusive functional and genetic evidence.

Dasa
Classification: Uncertain significance for ABCA4-related retinopathy. Last evaluated: 2026-02-25. Review status: criteria provided, single submitter. Criteria: DASA Assertion Criteria. Collection method: clinical testing. Allele origin: germline.
Comment: NM_000350.3(ABCA4):c.6788G>A (p.Arg2263Gln) is a missense variant that results in the substitution of arginine with glutamine. This variant has been reported in individuals with ABCA4-related disorders (PMID: 33988224). Also, this variant is rare in population databases. The currently available literature and clinical evidence are not sufficient to establish a definitive association between this variant and the reported condition. Therefore, this variant is classified as a variant of uncertain significance.

Labcorp Genetics (formerly Invitae), Labcorp
Classification: Pathogenic. Last evaluated: 2026-01-19. Review status: criteria provided, single submitter. Criteria: Invitae Variant Classification Sherloc (09022015). Collection method: clinical testing. Allele origin: germline.
Comment: This sequence change replaces arginine, which is basic and polar, with glutamine, which is neutral and polar, at codon 2263 of the ABCA4 protein (p.Arg2263Gln). This variant is present in population databases (rs281865407, gnomAD 0.007%). This missense change has been observed in individual(s) with Stargardt disease (PMID: 33988224). ClinVar contains an entry for this variant (Variation ID: 1015873). Invitae Evidence Modeling of protein sequence and biophysical properties (such as structural, functional, and spatial information, amino acid conservation, physicochemical variation, residue mobility, and thermodynamic stability) indicates that this missense variant is expected to disrupt ABCA4 protein function with a positive predictive value of 95%. This variant disrupts the p.Arg2263 amino acid residue in ABCA4. Other variant(s) that disrupt this residue have been determined to be pathogenic (internal data). This suggests that this residue is clinically significant, and that variants that disrupt this residue are likely to be disease-causing. For these reasons, this variant has been classified as Pathogenic.

Women's Health and Genetics/Laboratory Corporation of America, LabCorp
Classification: Uncertain significance. Last evaluated: 2025-08-15. Review status: criteria provided, single submitter. Criteria: LabCorp Variant Classification Summary - May 2015. Collection method: clinical testing. Allele origin: germline.
Comment: Variant summary: ABCA4 c.6788G>A (p.Arg2263Gln) results in a conservative amino acid change in the encoded protein sequence. Algorithms developed to predict the effect of missense changes on protein structure and function are either unavailable or do not agree on the potential impact of this missense change. The variant allele was found at a frequency of 2.4e-05 in 251188 control chromosomes. The available data on variant occurrences in the general population are insufficient to allow any conclusion about variant significance. c.6788G>A has been reported in the literature in individuals affected with Stargardt Disease (example: Qu_2021). These report(s) do not provide unequivocal conclusions about association of the variant with Stargardt Disease. To our knowledge, no experimental evidence demonstrating an impact on protein function has been reported. The following publication has been ascertained in the context of this evaluation (PMID: 33988224). ClinVar contains an entry for this variant (Variation ID: 1015873). Based on the evidence outlined above, the variant was classified as uncertain significance.

GeneDx
Classification: Uncertain significance. Last evaluated: 2025-05-20. Review status: criteria provided, single submitter. Criteria: GeneDx Variant Classification Process June 2021. Collection method: clinical testing. Allele origin: germline. Affected: yes.
Comment: In silico analysis suggests that this missense variant does not alter protein structure/function; This variant is associated with the following publications: (PMID: 33988224, 36046230)

Literature cited by the submitters: PubMed 33988224 (cited by 3 submitters).

NM_000350.3(ABCA4):c.6788G>A (p.Arg2263Gln)

Gene: ABCA4 (ATP binding cassette subfamily A member 4; minus strand). Cytogenetic location: 1p22.1.
Variant type: single nucleotide variant.
Coding change: c.6788G>A on transcript NM_000350.3 (MANE Select); coding-DNA position 6788, G replaced by A.
Protein change: p.Arg2263Gln; replaces arginine 2263 with glutamine.
Molecular consequence: missense variant.
Genome position (GRCh38, 1-based): chr1:93,996,137, C>T on the plus strand (G>A on the coding strand, the complement: ABCA4 is on the minus strand). VCF-style: chr1-93996137-C-T. GRCh37 (hg19) VCF-style: chr1-94461693-C-T.
Other names: c.6788G>A (NM_000350.2); c.6566G>A, p.Arg2189Gln (NM_001425324.1); short protein forms R2263Q, R2189Q.
Identifiers: ClinVar variation 1015873 (VCV001015873.15), dbSNP rs281865407, ClinGen allele CA956790.
Genomic context (GRCh38, chr1:93,996,137, plus strand): 5'-CAAGCTGTGGACTGCATAAGCAGCAGGGGTACCTGGGCTTGTCGACTGGCTCCAGCAGCT[C>T]GAGGGTGCAGAGGGAGGTCATGACTTTCAGTCTGCTGTTTAGCAAAATTTACAAACACCT-3'
Protein context (NP_000341.2, residues 2253-2273): TESHDLPLHP[Arg2263Gln]AAGASRQAQD